The following is an entry in ClinVar:

ClinVar aggregate classification (germline): Uncertain significance (1 of 4 stars; one submission).

Submission:

Labcorp Genetics (formerly Invitae), Labcorp
Classification: Uncertain significance. Last evaluated: 2023-01-19. Review status: criteria provided, single submitter. Criteria: Invitae Variant Classification Sherloc (09022015). Collection method: clinical testing. Allele origin: germline.
Comment: This variant has not been reported in the literature in individuals affected with EDNRB-related conditions. Advanced modeling of protein sequence and biophysical properties (such as structural, functional, and spatial information, amino acid conservation, physicochemical variation, residue mobility, and thermodynamic stability) performed at Invitae indicates that this missense variant is expected to disrupt EDNRB protein function. In summary, the available evidence is currently insufficient to determine the role of this variant in disease. Therefore, it has been classified as a Variant of Uncertain Significance. This variant is not present in population databases (gnomAD no frequency). This sequence change replaces serine, which is neutral and polar, with phenylalanine, which is neutral and non-polar, at codon 229 of the EDNRB protein (p.Ser229Phe).

NM_001122659.3(EDNRB):c.686C>T (p.Ser229Phe)

Genes: EDNRB (endothelin receptor type B; minus strand), EDNRB-AS1 (EDNRB antisense RNA 1; plus strand). Cytogenetic location: 13q22.3.
Variant type: single nucleotide variant.
Coding change: c.686C>T on transcript NM_001122659.3 (MANE Select); coding-DNA position 686, C replaced by T.
Protein change: p.Ser229Phe; replaces serine 229 with phenylalanine.
Molecular consequence: missense variant.
Genome position (GRCh38, 1-based): chr13:77,903,271, G>A on the plus strand (C>T on the coding strand, the complement: EDNRB is on the minus strand). VCF-style: chr13-77903271-G-A. GRCh37 (hg19) VCF-style: chr13-78477406-G-A.
Other names: c.686C>T, p.Ser229Phe (NM_000115.5, NM_003991.4); c.956C>T, p.Ser319Phe (NM_001201397.2); short protein forms S229F, S319F.
Identifiers: ClinVar variation 2819960 (VCV002819960.3), dbSNP rs2137611242, ClinGen allele CA388450840.